The following is an entry in ClinVar:

NM_001042492.3(NF1):c.3411G>C (p.Arg1137Ser)

Gene: NF1 (neurofibromin 1; plus strand). Cytogenetic location: 17q11.2.
Variant type: single nucleotide variant.
Coding change: c.3411G>C on transcript NM_001042492.3 (MANE Select); coding-DNA position 3411, G replaced by C.
Protein change: p.Arg1137Ser; replaces arginine 1137 with serine.
Molecular consequence: missense variant.
Genome position (GRCh38, 1-based): chr17:31,232,796, G>C. VCF-style: chr17-31232796-G-C. GRCh37 (hg19) VCF-style: chr17-29559814-G-C.
Other names: c.3411G>C, p.Arg1137Ser (NM_000267.4); short protein forms R1137S.
Identifiers: ClinVar variation 2795658 (VCV002795658.4), dbSNP rs2067136367, ClinGen allele CA398989176.

ClinVar aggregate classification (germline): Uncertain significance. Review status: criteria provided, multiple submitters, no conflicts (2 of 4 stars). 2 submissions from 2 submitters: Uncertain significance (2). Last evaluated 2025-03-22.

Conditions:
Neurofibromatosis, type 1 (NF1). Also called: VON RECKLINGHAUSEN DISEASE; Neurofibromatosis, type I; NEUROFIBROMATOSIS, TYPE I, SOMATIC; Peripheral type neurofibromatosis. Identifiers: Orphanet 636, MedGen C0027831, MONDO:0018975, OMIM 162200. Disease mechanism: loss of function.
Cardiovascular phenotype. Identifiers: MedGen CN230736.
Hereditary cancer-predisposing syndrome. Also called: Hereditary neoplastic syndrome; Neoplastic Syndromes, Hereditary; Tumor predisposition; Hereditary Cancer Syndrome. Identifiers: Orphanet 140162, MedGen C0027672, MeSH D009386, MONDO:0015356.

Submissions (2):

Ambry Genetics
Classification: Uncertain significance for Cardiovascular phenotype; Hereditary cancer-predisposing syndrome. Last evaluated: 2025-03-22. Review status: criteria provided, single submitter. Criteria: Ambry Variant Classification Scheme 2023. Collection method: clinical testing. Allele origin: germline.
Comment: The p.R1137S variant (also known as c.3411G>C), located in coding exon 26 of the NF1 gene, results from a G to C substitution at nucleotide position 3411. The arginine at codon 1137 is replaced by serine, an amino acid with dissimilar properties. This amino acid position is conserved. In addition, the in silico prediction for this alteration is inconclusive. Based on the available evidence, the clinical significance of this variant remains unclear.

Labcorp Genetics (formerly Invitae), Labcorp
Classification: Uncertain significance for Neurofibromatosis, type 1. Last evaluated: 2025-03-19. Review status: criteria provided, single submitter. Criteria: Invitae Variant Classification Sherloc (09022015). Collection method: clinical testing. Allele origin: germline.
Comment: This sequence change replaces arginine, which is basic and polar, with serine, which is neutral and polar, at codon 1137 of the NF1 protein (p.Arg1137Ser). This variant is not present in population databases (gnomAD no frequency). This variant has not been reported in the literature in individuals affected with NF1-related conditions. ClinVar contains an entry for this variant (Variation ID: 2795658). Invitae Evidence Modeling of protein sequence and biophysical properties (such as structural, functional, and spatial information, amino acid conservation, physicochemical variation, residue mobility, and thermodynamic stability) has been performed for this missense variant. However, the output from this modeling did not meet the statistical confidence thresholds required to predict the impact of this variant on NF1 protein function. In summary, the available evidence is currently insufficient to determine the role of this variant in disease. Therefore, it has been classified as a Variant of Uncertain Significance.